The following is an entry in ClinVar:

NM_001035.3(RYR2):c.14109_14110delinsAT (p.Lys4704Ter)

Gene: RYR2 (ryanodine receptor 2; plus strand). Cytogenetic location: 1q43.
Variant type: Indel.
Coding change: c.14109_14110delinsAT on transcript NM_001035.3 (MANE Select); coding-DNA positions 14109 to 14110, GA replaced by AT.
Protein change: p.Lys4704Ter; replaces lysine 4704 with a stop codon.
Molecular consequence: nonsense.
Genome position (GRCh38, 1-based): chr1:237,801,874-237,801,875, GA replaced by AT. VCF-style: chr1-237801874-GA-AT. GRCh37 (hg19) VCF-style: chr1-237965174-GA-AT.
Other names: short protein forms K4704*.
Identifiers: ClinVar variation 4614853 (VCV004614853.1).

ClinVar aggregate classification (germline): Uncertain significance (1 of 4 stars; one submission).

Conditions:
Cardiovascular phenotype. Identifiers: MedGen CN230736.

Submission:

Ambry Genetics
Classification: Uncertain significance for Cardiovascular phenotype. Last evaluated: 2025-10-14. Review status: criteria provided, single submitter. Criteria: Ambry Variant Classification Scheme 2023. Collection method: clinical testing. Allele origin: germline.
Comment: The c.14109_14110delGAinsAT variant, located in coding exon 98 of the RYR2 gene, results from an in-frame deletion of GA and insertion of AT at nucleotide positions 14109 to 14110. This results in the substitution of a stop codon for the lysine residue at codon 4704. This alteration is expected to result in protein truncation or nonsense-mediated mRNA decay. However, loss of function has not been established as a mechanism of disease. Based on the available evidence, the clinical significance of this alteration remains unclear.